The following is an entry in ClinVar:

NM_153033.5(KCTD7):c.315-10T>C

Gene: KCTD7 (potassium channel tetramerization domain containing 7; plus strand). Cytogenetic location: 7q11.21.
Variant type: single nucleotide variant.
Coding change: c.315-10T>C on transcript NM_153033.5 (MANE Select); 10 bases into the intron before coding-DNA position 315, T replaced by C.
Molecular consequence: intron variant.
Genome position (GRCh38, 1-based): chr7:66,638,243, T>C. VCF-style: chr7-66638243-T-C. GRCh37 (hg19) VCF-style: chr7-66103230-T-C.
Other names: c.315-10T>C (NM_001167961.2).
Identifiers: ClinVar variation 388309 (VCV000388309.12), dbSNP rs370881492, ClinGen allele CA16605887.

ClinVar aggregate classification (germline): Likely benign. Review status: criteria provided, multiple submitters, no conflicts (2 of 4 stars). 3 submissions from 3 submitters: Likely benign (2). 1 of the submissions does not count toward it. Last evaluated 2024-02-16.

Conditions:
KCTD7-related disorder. Also called: KCTD7-related condition.
Progressive myoclonic epilepsy type 3. Also called: KCTD7-Related Progressive Myoclonic Epilepsy; EPILEPSY, PROGRESSIVE MYOCLONIC, 3, WITH OR WITHOUT INTRACELLULAR INCLUSIONS; CEROID LIPOFUSCINOSIS, NEURONAL, 14; EPILEPSY, PROGRESSIVE MYOCLONIC, 3, WITHOUT INTRACELLULAR INCLUSIONS. Identifiers: Orphanet 263516, MedGen C2673257, MONDO:0012721, OMIM 611726.

Allele frequency attached by ClinVar (database versions not stated): gnomAD exomes 0.00001; gnomAD 0.00003 and 0.00004; TOPMed 0.00006; ESP Exome Variant Server 0.00015.

Submissions (3):

Labcorp Genetics (formerly Invitae), Labcorp
Classification: Likely benign for Progressive myoclonic epilepsy type 3. Last evaluated: 2024-02-16. Review status: criteria provided, single submitter. Criteria: Invitae Variant Classification Sherloc (09022015). Collection method: clinical testing. Allele origin: germline.

GeneDx
Classification: Likely benign. Last evaluated: 2016-08-05. Review status: criteria provided, single submitter. Criteria: GeneDx Variant Classification (06012015). Collection method: clinical testing. Allele origin: germline. Affected: yes.
Comment: This variant is considered likely benign or benign based on one or more of the following criteria: it is a conservative change, it occurs at a poorly conserved position in the protein, it is predicted to be benign by multiple in silico algorithms, and/or has population frequency not consistent with disease.

PreventionGenetics, part of Exact Sciences
Classification: Likely benign for KCTD7-related condition. Last evaluated: 2019-04-22. Review status: no assertion criteria provided. Collection method: clinical testing. Allele origin: germline. Not counted in ClinVar's aggregate classification.
Comment: This variant is classified as likely benign based on ACMG/AMP sequence variant interpretation guidelines (Richards et al. 2015 PMID: 25741868, with internal and published modifications).